The following is an entry in ClinVar:

ClinVar aggregate classification (germline): Pathogenic (1 of 4 stars; one submission).

Conditions:
Muscular dystrophy-dystroglycanopathy (congenital with impaired intellectual development), type B, 3. Also called: Muscular dystrophy-dystroglycanopathy (congenital with intellectual disability), type B3; MUSCULAR DYSTROPHY, CONGENITAL, POMGNT1-RELATED. Identifiers: MedGen C3150412, MONDO:0013155, OMIM 613151.
Autosomal recessive limb-girdle muscular dystrophy type 2O. Also called: Limb-Girdle Muscular Dystrophy Type 3C; MUSCULAR DYSTROPHY-DYSTROGLYCANOPATHY (LIMB-GIRDLE), TYPE C, 3; MUSCULAR DYSTROPHY-DYSTROGLYCANOPATHY, LIMB-GIRDLE, POMGNT1-RELATED. Identifiers: Orphanet 206564, MedGen C3150417, MONDO:0013161, OMIM 613157.

Submission:

Labcorp Genetics (formerly Invitae), Labcorp
Classification: Pathogenic for Autosomal recessive limb-girdle muscular dystrophy type 2O; Muscular dystrophy-dystroglycanopathy (congenital with impaired intellectual development), type B, 3. Last evaluated: 2018-11-02. Review status: criteria provided, single submitter. Criteria: Invitae Variant Classification Sherloc (09022015). Collection method: clinical testing. Allele origin: germline.
Comment: This sequence change creates a premature translational stop signal (p.Met446Cysfs*63) in the POMGNT1 gene. It is expected to result in an absent or disrupted protein product. This variant is not present in population databases (ExAC no frequency). This variant has not been reported in the literature in individuals with POMGNT1-related disease. ClinVar contains an entry for this variant (Variation ID: 538743). Loss-of-function variants in POMGNT1 are known to be pathogenic (PMID: 19299310). For these reasons, this variant has been classified as Pathogenic.

Literature cited by the submitters: PubMed 19299310.

NM_017739.4(POMGNT1):c.1335del (p.Met446fs)

Genes: POMGNT1 (protein O-linked mannose N-acetylglucosaminyltransferase 1 (beta 1,2-); minus strand), TSPAN1 (tetraspanin 1; plus strand). Cytogenetic location: 1p34.1.
Variant type: Deletion.
Coding change: c.1335del on transcript NM_017739.4 (MANE Select); coding-DNA position 1335, one base deleted (C; older notation c.1335delC).
Protein change: p.Met446fs; shifts the reading frame from methionine 446.
Molecular consequence: frameshift variant.
Genome position (GRCh38, 1-based): chr1:46,192,386, G deleted on the plus strand (C on the coding strand, the reverse complement: POMGNT1 is on the minus strand); the first of 2 consecutive G bases (chr1:46,192,386-46,192,387); deleting either gives the same sequence. VCF-style (leftmost placement, unchanged base first): chr1-46192385-TG-T. GRCh37 (hg19) VCF-style: chr1-46658057-TG-T.
Other names: c.1335delC (NM_017739.3); c.1335del, p.Met446fs (NM_001243766.2, NM_001410783.1); c.1268delC, p.Met424Cysfs (NM_001290129.3); c.906del, p.Met303fs (NM_001290130.2); short protein forms M446fs, M303fs, M424fs.
Identifiers: ClinVar variation 538743 (VCV000538743.8), dbSNP rs1553163206, ClinGen allele CA658795453.